The following is an entry in ClinVar:

ClinVar aggregate classification (germline): Uncertain significance. Review status: criteria provided, multiple submitters, no conflicts (2 of 4 stars). 2 submissions from 2 submitters: Uncertain significance (2). Last evaluated 2025-08-08.

Conditions:
Luscan-Lumish syndrome. Identifiers: Orphanet 597738, MedGen C4085873, MONDO:0014791, OMIM 616831.
Inborn genetic diseases. Identifiers: MedGen C0950123, MeSH D030342.

gnomAD v4.1: 10 of 1,612,496 alleles (0.00062%); highest among the groups gnomAD compares: Non-Finnish European, 0.00068%; no homozygotes.

Submissions (2):

Ambry Genetics
Classification: Uncertain significance for Inborn genetic diseases. Last evaluated: 2025-08-08. Review status: criteria provided, single submitter. Criteria: Ambry Variant Classification Scheme 2023. Collection method: clinical testing. Allele origin: germline.

Labcorp Genetics (formerly Invitae), Labcorp
Classification: Uncertain significance for Luscan-Lumish syndrome. Last evaluated: 2023-11-24. Review status: criteria provided, single submitter. Criteria: Invitae Variant Classification Sherloc (09022015). Collection method: clinical testing. Allele origin: germline.
Comment: This sequence change replaces threonine, which is neutral and polar, with alanine, which is neutral and non-polar, at codon 2316 of the SETD2 protein (p.Thr2316Ala). This variant is present in population databases (rs771957568, gnomAD 0.0009%). This variant has not been reported in the literature in individuals affected with SETD2-related conditions. ClinVar contains an entry for this variant (Variation ID: 2193689). Algorithms developed to predict the effect of missense changes on protein structure and function output the following: SIFT: "Not Available"; PolyPhen-2: "Benign"; Align-GVGD: "Not Available". The alanine amino acid residue is found in multiple mammalian species, which suggests that this missense change does not adversely affect protein function. In summary, the available evidence is currently insufficient to determine the role of this variant in disease. Therefore, it has been classified as a Variant of Uncertain Significance.

NM_014159.7(SETD2):c.6946A>G (p.Thr2316Ala)

Gene: SETD2 (SET domain containing 2, histone lysine methyltransferase; minus strand). Cytogenetic location: 3p21.31.
Variant type: single nucleotide variant.
Coding change: c.6946A>G on transcript NM_014159.7 (MANE Select); coding-DNA position 6946, A replaced by G.
Protein change: p.Thr2316Ala; replaces threonine 2316 with alanine.
Molecular consequence: missense variant. On other transcripts: non-coding transcript variant (1).
Genome position (GRCh38, 1-based): chr3:47,056,838, T>C on the plus strand (A>G on the coding strand, the complement: SETD2 is on the minus strand). VCF-style: chr3-47056838-T-C. GRCh37 (hg19) VCF-style: chr3-47098328-T-C.
Other names: c.6814A>G, p.Thr2272Ala (NM_001349370.3); short protein forms T2272A, T2316A.
Identifiers: ClinVar variation 2193689 (VCV002193689.5), dbSNP rs771957568, ClinGen allele CA2362641.
Genomic context (GRCh38, chr3:47,056,838, plus strand): 5'-AACAGACCATAAAGCAGAAAAGAAAAGTTTCAGAATTAGTTACCTGTACAATTGGTGGAG[T>C]TGTCTGTGAATAAGGTGATGTCACACCATAGACTGTTGGACATGTCTGTCCTTGATAATA-3'
Protein context (NP_054878.5, residues 2306-2326): YGVTSPYSQT[Thr2316Ala]PPIVQSYAQP